The following is an entry in ClinVar:

NM_004409.5(DMPK):c.161-459C>T

Gene: DMPK (DM1 protein kinase; minus strand). Cytogenetic location: 19q13.32.
Variant type: single nucleotide variant.
Coding change: c.161-459C>T on transcript NM_004409.5 (MANE Select); 459 bases into the intron before coding-DNA position 161, C replaced by T.
Molecular consequence: intron variant. On other transcripts: missense variant (2).
Genome position (GRCh38, 1-based): chr19:45,780,328, G>A on the plus strand (C>T on the coding strand, the complement: DMPK is on the minus strand). VCF-style: chr19-45780328-G-A. GRCh37 (hg19) VCF-style: chr19-46283586-G-A.
Other names: c.161-459C>T (NM_001424169.1, NM_001081562.3, NM_001081560.3 and 5 more transcripts); c.-269C>T (NM_001081563.3); c.233C>T, p.Ser78Phe (NM_001288764.2, NM_001424163.1); c.-330-459C>T (NM_001424166.1); short protein forms S78F.
Identifiers: ClinVar variation 1285222 (VCV001285222.27), dbSNP rs199935282, ClinGen allele CA9521702.

ClinVar aggregate classification (germline): Likely benign. Review status: criteria provided, multiple submitters, no conflicts (2 of 4 stars). 4 submissions from 4 submitters: Likely benign (2). 2 of the submissions do not count toward it. Last evaluated 2022-12-01.

Allele frequency attached by ClinVar (database versions not stated): 1000 Genomes Project 30x 0.00078; 1000 Genomes Project 0.00080; ExAC 0.00232; ESP Exome Variant Server 0.00244; gnomAD exomes 0.00257 and 0.00354; TOPMed 0.00280.

Submissions (4):

CeGaT Center for Human Genetics Tuebingen
Classification: Likely benign. Last evaluated: 2022-12-01. Review status: criteria provided, single submitter. Criteria: CeGaT Center For Human Genetics Tuebingen Variant Classification Criteria Version 2. Collection method: clinical testing. Allele origin: germline. Affected: yes. Observed: 1 variant allele.
Comment: DMPK: BS2

Breakthrough Genomics
Classification: Likely benign. Review status: criteria provided, single submitter. Criteria: ACMG Guidelines, 2015. Collection method: not provided. Allele origin: germline. Inheritance: Autosomal dominant inheritance. Affected: yes.

Clinical Genetics DNA and cytogenetics Diagnostics Lab, Erasmus MC, Erasmus Medical Center
Classification: Likely benign. Review status: no assertion criteria provided. Collection method: clinical testing. Allele origin: germline. Affected: yes. Study: VKGL Data-share Consensus. Not counted in ClinVar's aggregate classification.

Genome Diagnostics Laboratory, University Medical Center Utrecht
Classification: Likely benign. Review status: no assertion criteria provided. Collection method: clinical testing. Allele origin: germline. Affected: yes. Study: VKGL Data-share Consensus. Not counted in ClinVar's aggregate classification.